The following is an entry in ClinVar:

ClinVar aggregate classification (germline): Uncertain significance. Review status: criteria provided, multiple submitters, no conflicts (2 of 4 stars). 2 submissions from 2 submitters: Uncertain significance (2). Last evaluated 2021-07-30.

Conditions:
Non-acquired combined pituitary hormone deficiency with spine abnormalities (CPHD3). Also called: Winkelman Bethge Pfeiffer syndrome; WBP syndrome; Combined pituitary hormone deficiency type 3. Identifiers: Orphanet 231720, MedGen C3489787, MONDO:0009091, OMIM 221750.

Allele frequency attached by ClinVar (database versions not stated): ExAC 0.00003; gnomAD 0.00003; gnomAD exomes 0.00003; TOPMed 0.00010; 1000 Genomes Project 30x 0.00031.
gnomAD v4.1: 29 of 1,612,952 alleles (0.0018%); highest among the groups gnomAD compares: East Asian, 0.025%; no homozygotes.

Submissions (2):

Fulgent Genetics
Classification: Uncertain significance for Non-acquired combined pituitary hormone deficiency with spine abnormalities. Last evaluated: 2021-07-30. Review status: criteria provided, single submitter. Criteria: ACMG Guidelines, 2015. Collection method: clinical testing. Allele origin: unknown.

Illumina Laboratory Services, Illumina
Classification: Uncertain significance for Non-acquired combined pituitary hormone deficiency with spine abnormalities. Last evaluated: 2017-04-27. Review status: criteria provided, single submitter. Criteria: ICSL Variant Classification Criteria 13 December 2019. Collection method: clinical testing. Allele origin: germline.
Comment: This variant was observed as part of a predisposition screen in an ostensibly healthy population. A literature search was performed for the gene, cDNA change, and amino acid change (where applicable). Publications were found based on this search. However, the evidence from the literature, in combination with allele frequency data from public databases where available, was not sufficient to rule this variant in or out of causing disease. Therefore, this variant is classified as a variant of unknown significance.

Literature cited by the submitters: PubMed 17438671 (cited by Illumina Laboratory Services, Illumina); PubMed 12780757 (cited by Illumina Laboratory Services, Illumina); PubMed 19837867 (cited by Illumina Laboratory Services, Illumina).

NM_178138.6(LHX3):c.413G>T (p.Arg138Leu)

Gene: LHX3 (LIM homeobox 3; minus strand). Cytogenetic location: 9q34.3.
Variant type: single nucleotide variant.
Coding change: c.413G>T on transcript NM_178138.6 (MANE Select); coding-DNA position 413, G replaced by T.
Protein change: p.Arg138Leu; replaces arginine 138 with leucine.
Molecular consequence: missense variant.
Genome position (GRCh38, 1-based): chr9:136,199,719, C>A on the plus strand (G>T on the coding strand, the complement: LHX3 is on the minus strand). VCF-style: chr9-136199719-C-A. GRCh37 (hg19) VCF-style: chr9-139091565-C-A.
Other names: c.380G>T, p.Arg127Leu (NM_001363746.1); c.428G>T, p.Arg143Leu (NM_014564.5); short protein forms R143L, R127L, R138L.
Identifiers: ClinVar variation 912817 (VCV000912817.5), dbSNP rs374047783, ClinGen allele CA5330510.